The following is an entry in ClinVar:

ClinVar aggregate classification (germline): Uncertain significance (1 of 4 stars; one submission).

Submission:

GeneDx
Classification: Uncertain significance. Last evaluated: 2025-07-11. Review status: criteria provided, single submitter. Criteria: GeneDx Variant Classification Process June 2021. Collection method: clinical testing. Allele origin: germline. Affected: yes.
Comment: Not observed at significant frequency in large population cohorts (gnomAD); In silico analysis suggests that this missense variant does not alter protein structure/function; Has not been previously published as pathogenic or benign to our knowledge

NM_002474.3(MYH11):c.3326C>T (p.Ala1109Val)

Gene: MYH11 (myosin heavy chain 11; minus strand). Cytogenetic location: 16p13.11.
Variant type: single nucleotide variant.
Coding change: c.3326C>T on transcript NM_002474.3 (MANE Select); coding-DNA position 3326, C replaced by T.
Protein change: p.Ala1109Val; replaces alanine 1109 with valine.
Molecular consequence: missense variant.
Genome position (GRCh38, 1-based): chr16:15,735,546, G>A on the plus strand (C>T on the coding strand, the complement: MYH11 is on the minus strand). VCF-style: chr16-15735546-G-A. GRCh37 (hg19) VCF-style: chr16-15829403-G-A.
Other names: c.3347C>T, p.Ala1116Val (NM_001040113.2, NM_001040114.2); c.3326C>T, p.Ala1109Val (NM_022844.3); short protein forms A1109V, A1116V.
Identifiers: ClinVar variation 4685177 (VCV004685177.1).